The following is an entry in ClinVar:

NM_001127208.3(TET2):c.1705G>T (p.Ala569Ser)

Genes: TET2 (tet methylcytosine dioxygenase 2; plus strand), TET2-AS1 (TET2 antisense RNA 1; minus strand). Cytogenetic location: 4q24.
Variant type: single nucleotide variant.
Coding change: c.1705G>T on transcript NM_001127208.3 (MANE Select); coding-DNA position 1705, G replaced by T.
Protein change: p.Ala569Ser; replaces alanine 569 with serine.
Molecular consequence: missense variant.
Genome position (GRCh38, 1-based): chr4:105,235,647, G>T. VCF-style: chr4-105235647-G-T. GRCh37 (hg19) VCF-style: chr4-106156804-G-T.
Other names: c.1705G>T, p.Ala569Ser (NM_017628.4); short protein forms A569S.
Identifiers: ClinVar variation 3967671 (VCV003967671.1).
Genomic context (GRCh38, chr4:105,235,647, plus strand): 5'-ACACGAGATCTTGTGCCCCCAACACAGCACTATCTGAAACCAGGATGGATTGAATTGAAG[G>T]CCCCTCGTTTTCACCAAGCGGAATCCCATCTAAAACGTAATGAGGCATCACTGCCATCAA-3'
Protein context (NP_001120680.1, residues 559-579): YLKPGWIELK[Ala569Ser]PRFHQAESHL

ClinVar aggregate classification (germline): Uncertain significance (1 of 4 stars; one submission).

gnomAD v4.1: 4 of 1,614,104 alleles (0.00025%); highest among the groups gnomAD compares: Non-Finnish European, 0.00025%; no homozygotes.

Submission:

Ambry Genetics
Classification: Uncertain significance. Last evaluated: 2025-05-27. Review status: criteria provided, single submitter. Criteria: Ambry Variant Classification Scheme 2023. Collection method: clinical testing. Allele origin: germline.
Comment: The p.A569S variant (also known as c.1705G>T), located in coding exon 1 of the TET2 gene, results from a G to T substitution at nucleotide position 1705. The alanine at codon 569 is replaced by serine, an amino acid with similar properties. This amino acid position is conserved. In addition, this alteration is predicted to be tolerated by in silico analysis. Based on the available evidence, the clinical significance of this variant remains unclear.